The following is an entry in ClinVar:

ClinVar aggregate classification (germline): Uncertain significance (1 of 4 stars; one submission).

Submission:

Labcorp Genetics (formerly Invitae), Labcorp
Classification: Uncertain significance. Last evaluated: 2022-05-13. Review status: criteria provided, single submitter. Criteria: Invitae Variant Classification Sherloc (09022015). Collection method: clinical testing. Allele origin: germline.
Comment: In summary, the available evidence is currently insufficient to determine the role of this variant in disease. Therefore, it has been classified as a Variant of Uncertain Significance. Algorithms developed to predict the effect of sequence changes on RNA splicing suggest that this variant may disrupt the consensus splice site. Algorithms developed to predict the effect of missense changes on protein structure and function are either unavailable or do not agree on the potential impact of this missense change (SIFT: "Deleterious"; PolyPhen-2: "Benign"; Align-GVGD: "Class C15"). This variant has not been reported in the literature in individuals affected with NANS-related conditions. This variant is not present in population databases (gnomAD no frequency). This sequence change replaces phenylalanine, which is neutral and non-polar, with valine, which is neutral and non-polar, at codon 179 of the NANS protein (p.Phe179Val).

NM_018946.4(NANS):c.535T>G (p.Phe179Val)

Genes: NANS (N-acetylneuraminate synthase; plus strand), TRIM14 (tripartite motif containing 14; minus strand). Cytogenetic location: 9q22.33.
Variant type: single nucleotide variant.
Coding change: c.535T>G on transcript NM_018946.4 (MANE Select); coding-DNA position 535, T replaced by G.
Protein change: p.Phe179Val; replaces phenylalanine 179 with valine.
Molecular consequence: missense variant.
Genome position (GRCh38, 1-based): chr9:98,078,279, T>G. VCF-style: chr9-98078279-T-G. GRCh37 (hg19) VCF-style: chr9-100840561-T-G.
Other names: short protein forms F179V.
Identifiers: ClinVar variation 2127239 (VCV002127239.4), dbSNP rs2490396995, ClinGen allele CA374198918.